The following is an entry in ClinVar:

ClinVar aggregate classification (germline): Benign/Likely benign. Review status: criteria provided, multiple submitters, no conflicts (2 of 4 stars). 3 submissions from 3 submitters: Benign (2); Likely benign (1). Last evaluated 2026-01-01.

Conditions:
Charcot-Marie-Tooth disease axonal type 2Z. Also called: CHARCOT-MARIE-TOOTH DISEASE, AXONAL, AUTOSOMAL DOMINANT, TYPE 2Z; CHARCOT-MARIE-TOOTH NEUROPATHY, TYPE 2Z. Identifiers: Orphanet 466768, MedGen C5569025, MONDO:0014736, OMIM 616688.

Allele frequency attached by ClinVar (database versions not stated): TOPMed 0.00002; gnomAD 0.00003; gnomAD exomes 0.00012 and 0.00023; ExAC 0.00024.
gnomAD v4.1: 172 of 1,613,864 alleles (0.011%); highest among the groups gnomAD compares: South Asian, 0.16%; 1 homozygote.

Submissions (3):

CeGaT Center for Human Genetics Tuebingen
Classification: Likely benign. Last evaluated: 2026-01-01. Review status: criteria provided, single submitter. Criteria: CeGaT Center For Human Genetics Tuebingen Variant Classification Criteria Version 2. Collection method: clinical testing. Allele origin: germline. Affected: yes. Observed: 1 variant allele.
Comment: MORC2: BP4, BP7, BS1

Labcorp Genetics (formerly Invitae), Labcorp
Classification: Benign for Charcot-Marie-Tooth disease axonal type 2Z. Last evaluated: 2025-08-07. Review status: criteria provided, single submitter. Criteria: Invitae Variant Classification Sherloc (09022015). Collection method: clinical testing. Allele origin: germline.

Breakthrough Genomics
Classification: Benign. Review status: criteria provided, single submitter. Criteria: ACMG Guidelines, 2015. Collection method: not provided. Allele origin: germline. Inheritance: Autosomal dominant inheritance. Affected: yes.

NM_001303256.3(MORC2):c.939T>A (p.Ala313=)

Gene: MORC2 (MORC family CW-type zinc finger 2; minus strand). Cytogenetic location: 22q12.2.
Variant type: single nucleotide variant.
Coding change: c.939T>A on transcript NM_001303256.3 (MANE Select); coding-DNA position 939, T replaced by A.
Protein change: p.Ala313=; no amino-acid change (alanine 313 retained).
Molecular consequence: synonymous variant.
Genome position (GRCh38, 1-based): chr22:30,940,007, A>T on the plus strand (T>A on the coding strand, the complement: MORC2 is on the minus strand). VCF-style: chr22-30940007-A-T. GRCh37 (hg19) VCF-style: chr22-31335994-A-T.
Other names: c.939T>A, p.Ala313= (NM_001303257.2); c.753T>A, p.Ala251= (NM_014941.3).
Identifiers: ClinVar variation 1636426 (VCV001636426.13), dbSNP rs755275051, ClinGen allele CA10187100.